The following is an entry in ClinVar:

NM_000868.4(HTR2C):c.489C>A (p.Ser163Arg)

Gene: HTR2C (5-hydroxytryptamine receptor 2C; plus strand). Cytogenetic location: Xq23.
Variant type: single nucleotide variant.
Coding change: c.489C>A on transcript NM_000868.4 (MANE Select); coding-DNA position 489, C replaced by A.
Protein change: p.Ser163Arg; replaces serine 163 with arginine.
Molecular consequence: missense variant. On other transcripts: intron variant (1).
Genome position (GRCh38, 1-based): chrX:114,848,142, C>A. VCF-style: chrX-114848142-C-A. GRCh37 (hg19) VCF-style: chrX-114082705-C-A.
Other names: c.489C>A, p.Ser163Arg (NM_001256760.3); c.455+34C>A (NM_001256761.3); short protein forms S163R.
Identifiers: ClinVar variation 4995797 (VCV004995797.1).

ClinVar aggregate classification (germline): Uncertain significance (1 of 4 stars; one submission).

Conditions:
HTR2C-related disorder. Also called: HTR2C-related condition.

Submission:

PreventionGenetics, part of Exact Sciences
Classification: Uncertain significance for HTR2C-related condition. Last evaluated: 2026-06-12. Review status: criteria provided, single submitter. Criteria: ACMG Guidelines, 2015. Collection method: clinical testing. Allele origin: germline.
Comment: The HTR2C c.489C>A variant is predicted to result in the amino acid substitution p.Ser163Arg. To our knowledge, this variant has not been reported in the literature or in a large population database (gnomAD), indicating this variant is rare. At this time, the clinical significance of this variant is uncertain due to the absence of conclusive functional and genetic evidence.